The following is an entry in ClinVar:

ClinVar aggregate classification (germline): Uncertain significance (1 of 4 stars; one submission).

Conditions:
Adenylosuccinate lyase deficiency (ADSLD). Also called: ADSL DEFICIENCY. Identifiers: Orphanet 46, MedGen C0268126, MONDO:0007068, OMIM 103050.

Allele frequency attached by ClinVar (database versions not stated): gnomAD 0.00006; TOPMed 0.00006; 1000 Genomes Project 0.00020; 1000 Genomes Project 30x 0.00047.

Submission:

Labcorp Genetics (formerly Invitae), Labcorp
Classification: Uncertain significance for Adenylosuccinate lyase deficiency. Last evaluated: 2024-10-15. Review status: criteria provided, single submitter. Criteria: Invitae Variant Classification Sherloc (09022015). Collection method: clinical testing. Allele origin: germline.
Comment: This variant occurs in a non-coding region of the ADSL gene. It does not change the encoded amino acid sequence of the ADSL protein. This variant is not present in population databases (gnomAD no frequency). This variant has not been reported in the literature in individuals affected with ADSL-related conditions. Experimental studies and prediction algorithms are not available or were not evaluated, and the functional significance of this variant is currently unknown. In summary, the available evidence is currently insufficient to determine the role of this variant in disease. Therefore, it has been classified as a Variant of Uncertain Significance.

NC_000022.11:g.40345639T>C

Gene: ADSL (adenylosuccinate lyase; plus strand). Cytogenetic location: 22q13.1.
Variant type: single nucleotide variant.
Genome position: GRCh38 VCF-style: chr22-40345639-T-C. GRCh37 (hg19) VCF-style: chr22-40741643-T-C.
Identifiers: ClinVar variation 1358993 (VCV001358993.4), dbSNP rs528540026, ClinGen allele CA324446323.